The following is an entry in ClinVar:

NM_001098426.2(SMARCD2):c.644C>A (p.Ala215Glu)

Gene: SMARCD2 (SWI/SNF related BAF chromatin remodeling complex subunit D2; minus strand). Cytogenetic location: 17q23.3.
Variant type: single nucleotide variant.
Coding change: c.644C>A on transcript NM_001098426.2 (MANE Select); coding-DNA position 644, C replaced by A.
Protein change: p.Ala215Glu; replaces alanine 215 with glutamic acid.
Molecular consequence: missense variant.
Genome position (GRCh38, 1-based): chr17:63,835,491, G>T on the plus strand (C>A on the coding strand, the complement: SMARCD2 is on the minus strand). VCF-style: chr17-63835491-G-T. GRCh37 (hg19) VCF-style: chr17-61912851-G-T.
Other names: c.419C>A, p.Ala140Glu (NM_001330439.1); c.500C>A, p.Ala167Glu (NM_001330440.2); short protein forms A215E, A167E, A140E.
Identifiers: ClinVar variation 1378532 (VCV001378532.6), dbSNP rs2144630339, ClinGen allele CA400600883.

ClinVar aggregate classification (germline): Uncertain significance (1 of 4 stars; one submission).

Submission:

Labcorp Genetics (formerly Invitae), Labcorp
Classification: Uncertain significance. Last evaluated: 2021-11-06. Review status: criteria provided, single submitter. Criteria: Invitae Variant Classification Sherloc (09022015). Collection method: clinical testing. Allele origin: germline.
Comment: This variant is not present in population databases (gnomAD no frequency). This variant has not been reported in the literature in individuals affected with SMARCD2-related conditions. Algorithms developed to predict the effect of missense changes on protein structure and function are either unavailable or do not agree on the potential impact of this missense change (SIFT: "Deleterious"; PolyPhen-2: "Possibly Damaging"; Align-GVGD: "Class C0"). In summary, the available evidence is currently insufficient to determine the role of this variant in disease. Therefore, it has been classified as a Variant of Uncertain Significance. This sequence change replaces alanine, which is neutral and non-polar, with glutamic acid, which is acidic and polar, at codon 215 of the SMARCD2 protein (p.Ala215Glu).